The following is an entry in ClinVar:

NM_005559.4(LAMA1):c.7186C>T (p.Arg2396Trp)

Gene: LAMA1 (laminin subunit alpha 1; minus strand). Cytogenetic location: 18p11.31.
Variant type: single nucleotide variant.
Coding change: c.7186C>T on transcript NM_005559.4 (MANE Select); coding-DNA position 7186, C replaced by T.
Protein change: p.Arg2396Trp; replaces arginine 2396 with tryptophan.
Molecular consequence: missense variant.
Genome position (GRCh38, 1-based): chr18:6,965,297, G>A on the plus strand (C>T on the coding strand, the complement: LAMA1 is on the minus strand). VCF-style: chr18-6965297-G-A. GRCh37 (hg19) VCF-style: chr18-6965296-G-A.
Other names: short protein forms R2396W.
Identifiers: ClinVar variation 1377896 (VCV001377896.8), dbSNP rs761448419, ClinGen allele CA8880989.

ClinVar aggregate classification (germline): Uncertain significance (1 of 4 stars; one submission).

Allele frequency attached by ClinVar (database versions not stated): ExAC 0.00001; gnomAD 0.00001; gnomAD exomes 0.00001; TOPMed 0.00003.
gnomAD v4.1: 17 of 1,613,994 alleles (0.0011%); highest among the groups gnomAD compares: East Asian, 0.0022%; no homozygotes.

Submission:

Labcorp Genetics (formerly Invitae), Labcorp
Classification: Uncertain significance. Last evaluated: 2022-12-06. Review status: criteria provided, single submitter. Criteria: Invitae Variant Classification Sherloc (09022015). Collection method: clinical testing. Allele origin: germline.
Comment: In summary, the available evidence is currently insufficient to determine the role of this variant in disease. Therefore, it has been classified as a Variant of Uncertain Significance. Advanced modeling of protein sequence and biophysical properties (such as structural, functional, and spatial information, amino acid conservation, physicochemical variation, residue mobility, and thermodynamic stability) performed at Invitae indicates that this missense variant is not expected to disrupt LAMA1 protein function. ClinVar contains an entry for this variant (Variation ID: 1377896). This variant has not been reported in the literature in individuals affected with LAMA1-related conditions. This variant is present in population databases (rs761448419, gnomAD 0.0009%). This sequence change replaces arginine, which is basic and polar, with tryptophan, which is neutral and slightly polar, at codon 2396 of the LAMA1 protein (p.Arg2396Trp).